The following is an entry in ClinVar:

ClinVar aggregate classification (germline): Likely benign. Review status: criteria provided, multiple submitters, no conflicts (2 of 4 stars). 2 submissions from 2 submitters: Likely benign (2). Last evaluated 2026-08-13.

Conditions:
UQCRC2-related disorder. Also called: UQCRC2-related condition.

gnomAD v4.1: 34 of 1,614,076 alleles (0.0021%); highest among the groups gnomAD compares: Non-Finnish European, 0.0029%; no homozygotes.

Submissions (2):

PreventionGenetics, part of Exact Sciences
Classification: Likely benign for UQCRC2-related condition. Last evaluated: 2026-08-13. Review status: criteria provided, single submitter. Criteria: ACMG Guidelines, 2015. Collection method: clinical testing. Allele origin: germline.
Comment: This variant is classified as likely benign based on ACMG/AMP sequence variant interpretation guidelines (Richards et al. 2015 PMID: 25741868, with internal and published modifications).

Labcorp Genetics (formerly Invitae), Labcorp
Classification: Likely benign. Last evaluated: 2024-08-29. Review status: criteria provided, single submitter. Criteria: Invitae Variant Classification Sherloc (09022015). Collection method: clinical testing. Allele origin: germline.

NM_003366.4(UQCRC2):c.252T>C (p.Arg84=)

Genes: PDZD9 (PDZ domain containing 9), UQCRC2 (ubiquinol-cytochrome c reductase core protein 2). Cytogenetic location: 16p12.2.
Variant type: single nucleotide variant.
Coding change: c.252T>C on transcript NM_003366.4 (MANE Select); coding-DNA position 252, T replaced by C.
Protein change: p.Arg84=; no amino-acid change (arginine 84 retained).
Molecular consequence: synonymous variant.
Genome position (GRCh38, 1-based): chr16:21,957,551, T>C. VCF-style: chr16-21957551-T-C. GRCh37 (hg19) VCF-style: chr16-21968872-T-C.
Other names: c.252T>C (NM_003366.3).
Identifiers: ClinVar variation 3627789 (VCV003627789.3).